The following is an entry in ClinVar:

ClinVar aggregate classification (germline): Uncertain significance (1 of 4 stars; one submission).

Conditions:
Familial hemophagocytic lymphohistiocytosis 5. Also called: STXBP2-Related Familial Hemophagocytic Lymphohistiocytosis (STXBP2-fHLH). Identifiers: Orphanet 540, MedGen C2751293, MONDO:0013135, OMIM 613101.

Submission:

Labcorp Genetics (formerly Invitae), Labcorp
Classification: Uncertain significance for Familial hemophagocytic lymphohistiocytosis 5. Last evaluated: 2022-05-27. Review status: criteria provided, single submitter. Criteria: Invitae Variant Classification Sherloc (09022015). Collection method: clinical testing. Allele origin: germline.
Comment: This sequence change affects codon 85 of the STXBP2 mRNA. It is a 'silent' change, meaning that it does not change the encoded amino acid sequence of the STXBP2 protein. This variant is not present in population databases (gnomAD no frequency). This variant has not been reported in the literature in individuals affected with STXBP2-related conditions. Algorithms developed to predict the effect of sequence changes on RNA splicing suggest that this variant may disrupt the consensus splice site. In summary, the available evidence is currently insufficient to determine the role of this variant in disease. Therefore, it has been classified as a Variant of Uncertain Significance.

NM_006949.4(STXBP2):c.255G>A (p.Gln85=)

Gene: STXBP2 (syntaxin binding protein 2; plus strand). Cytogenetic location: 19p13.2.
Variant type: single nucleotide variant.
Coding change: c.255G>A on transcript NM_006949.4 (MANE Select); coding-DNA position 255, G replaced by A.
Protein change: p.Gln85=; no amino-acid change (glutamine 85 retained).
Molecular consequence: synonymous variant. On other transcripts: non-coding transcript variant (1), splice acceptor variant (1).
Genome position (GRCh38, 1-based): chr19:7,640,739, G>A. VCF-style: chr19-7640739-G-A. GRCh37 (hg19) VCF-style: chr19-7705625-G-A.
Other names: c.288G>A, p.Gln96= (NM_001272034.2); c.159G>A, p.Gln53= (NM_001414484.1); c.247-1G>A (NM_001127396.3).
Identifiers: ClinVar variation 1999661 (VCV001999661.4), dbSNP rs2512691583, ClinGen allele CA403157402.